The following is an entry in ClinVar:

ClinVar aggregate classification (germline): Benign/Likely benign. Review status: criteria provided, multiple submitters, no conflicts (2 of 4 stars). 4 submissions from 4 submitters: Benign (1); Likely benign (3). Last evaluated 2026-06-03.

Conditions:
KIT-related disorder. Also called: KIT-related condition.
Hereditary cancer-predisposing syndrome. Also called: Tumor predisposition; Hereditary neoplastic syndrome; Neoplastic Syndromes, Hereditary; Hereditary Cancer Syndrome. Identifiers: Orphanet 140162, MedGen C0027672, MeSH D009386, MONDO:0015356.
Gastrointestinal stromal tumor. Also called: Gastrointestinal stromal tumor, somatic; Gastrointestinal stroma tumor. Identifiers: Orphanet 44890, MedGen C0238198, MeSH D046152, MONDO:0011719, OMIM 606764, HP:0100723.

Allele frequency attached by ClinVar (database versions not stated): gnomAD exomes below 0.00001; gnomAD 0.00001; TOPMed 0.00001.
gnomAD v4.1: 24 of 1,613,534 alleles (0.0015%); highest among the groups gnomAD compares: Non-Finnish European, 0.0019%; no homozygotes.

Submissions (4):

Myriad Genetics, Inc.
Classification: Benign for Gastrointestinal stromal tumor. Last evaluated: 2026-06-03. Review status: criteria provided, single submitter. Criteria: Myriad Autosomal Dominant, Autosomal Recessive and X-Linked Classification Criteria (2023). Collection method: clinical testing. Allele origin: unknown.
Comment: This variant is considered benign. This variant is a silent/synonymous amino acid change and it is not expected to impact splicing.

PreventionGenetics, part of Exact Sciences
Classification: Likely benign for KIT-related condition. Last evaluated: 2026-03-29. Review status: criteria provided, single submitter. Criteria: ACMG Guidelines, 2015. Collection method: clinical testing. Allele origin: germline.
Comment: This variant is classified as likely benign based on ACMG/AMP sequence variant interpretation guidelines (Richards et al. 2015 PMID: 25741868, with internal and published modifications).

Labcorp Genetics (formerly Invitae), Labcorp
Classification: Likely benign for Gastrointestinal stromal tumor. Last evaluated: 2025-11-25. Review status: criteria provided, single submitter. Criteria: Invitae Variant Classification Sherloc (09022015). Collection method: clinical testing. Allele origin: germline.

Ambry Genetics
Classification: Likely benign for Hereditary cancer-predisposing syndrome. Last evaluated: 2022-05-12. Review status: criteria provided, single submitter. Criteria: Ambry Variant Classification Scheme 2023. Collection method: clinical testing. Allele origin: germline.

NM_000222.3(KIT):c.909A>C (p.Thr303=)

Gene: KIT (KIT proto-oncogene, receptor tyrosine kinase; plus strand). Cytogenetic location: 4q12.
Variant type: single nucleotide variant.
Coding change: c.909A>C on transcript NM_000222.3 (MANE Select); coding-DNA position 909, A replaced by C.
Protein change: p.Thr303=; no amino-acid change (threonine 303 retained).
Molecular consequence: synonymous variant.
Genome position (GRCh38, 1-based): chr4:54,703,876, A>C. VCF-style: chr4-54703876-A-C. GRCh37 (hg19) VCF-style: chr4-55570042-A-C.
Other names: c.909A>C, p.Thr303= (NM_001093772.2, NM_001385285.1, NM_001385286.1); c.912A>C, p.Thr304= (NM_001385284.1, NM_001385288.1, NM_001385290.1 and 1 more transcripts).
Identifiers: ClinVar variation 458975 (VCV000458975.16), dbSNP rs531740394, ClinGen allele CA96852886.